The following is an entry in ClinVar:

NM_000256.3(MYBPC3):c.1721G>A (p.Arg574Gln)

Gene: MYBPC3 (myosin binding protein C3; minus strand). Cytogenetic location: 11p11.2.
Variant type: single nucleotide variant.
Coding change: c.1721G>A on transcript NM_000256.3 (MANE Select); coding-DNA position 1721, G replaced by A.
Protein change: p.Arg574Gln; replaces arginine 574 with glutamine.
Molecular consequence: missense variant.
Genome position (GRCh38, 1-based): chr11:47,342,060, C>T on the plus strand (G>A on the coding strand, the complement: MYBPC3 is on the minus strand). VCF-style: chr11-47342060-C-T. GRCh37 (hg19) VCF-style: chr11-47363611-C-T.
Other names: short protein forms R574Q.
Identifiers: ClinVar variation 42562 (VCV000042562.42), dbSNP rs397515922, ClinGen allele CA011002.
Genomic context (GRCh38, chr11:47,342,060, plus strand): 5'-TGGGACACCTTTATGCGGCTGTCGGGCACCAGCTCCTTCCCATTCTTCAGCCACACACCC[C>T]GAACATTCTCATCTGAGACCTCACATTTGAACACCGCCTGGTCCTTTGCGCCCACCATCA-3'
Protein context (NP_000247.2, residues 564-584): FKCEVSDENV[Arg574Gln]GVWLKNGKEL

ClinVar aggregate classification (germline): Conflicting classifications of pathogenicity. Review status: criteria provided, conflicting classifications (1 of 4 stars). 14 submissions from 13 submitters: Uncertain significance (6); Benign (1); Likely benign (6). 1 of the submissions does not count toward it. Last evaluated 2026-02-09.

Conditions:
Cardiovascular phenotype. Identifiers: MedGen CN230736.
Left ventricular noncompaction 10 (LVNC10). Identifiers: Orphanet 154, Orphanet 54260, MedGen C3715165, MONDO:0014163, OMIM 615396.
Cardiomyopathy (CMYO). Also called: Cardiomyopathies. Identifiers: Orphanet 167848, MedGen C0878544, MONDO:0004994, HP:0001638. Inheritance: Various modes of inheritance.
Primary familial hypertrophic cardiomyopathy (HCM). Identifiers: Orphanet 99739, MedGen C0949658, MeSH D024741, MONDO:0024573. Inheritance: Various modes of inheritance.
Hypertrophic cardiomyopathy 4. Also called: Familial hypertrophic cardiomyopathy 4. Identifiers: MedGen C1861862, MONDO:0007268, OMIM 115197.
Hypertrophic cardiomyopathy. Also called: HYPERTROPHIC MYOCARDIOPATHY. Identifiers: Orphanet 217569, MedGen C0007194, MeSH D002312, MONDO:0005045, HP:0001639.

Allele frequency attached by ClinVar (database versions not stated): ExAC 0.00012; 1000 Genomes Project 0.00020; gnomAD 0.00025 and 0.00026; 1000 Genomes Project 30x 0.00031; TOPMed 0.00057.

Submissions (14):

Women's Health and Genetics/Laboratory Corporation of America, LabCorp
Classification: Uncertain significance. Last evaluated: 2026-02-09. Review status: criteria provided, single submitter. Criteria: LabCorp Variant Classification Summary - May 2015. Collection method: clinical testing. Allele origin: germline.
Comment: Variant summary: MYBPC3 c.1721G>A (p.Arg574Gln) results in a conservative amino acid change in the encoded protein sequence. Algorithms developed to predict the effect of missense changes on protein structure and function all suggest that this variant is likely to be tolerated. The variant allele was found at a frequency of 6.9e-05 in 246528 control chromosomes. This frequency is not significantly higher than estimated for disease-causing variants in MYBPC3, allowing no conclusion about variant significance. c.1721G>A has been observed in individuals affected with Hypertrophic Cardiomyopathy or Brugada syndrome without strong evidence for causality (Khan_2022, McGurk_2023, Tran_2025). These reports do not provide unequivocal conclusions about association of the variant with Hypertrophic Cardiomyopathy. To our knowledge, no experimental evidence demonstrating an impact on protein function has been reported. The following publications have been ascertained in the context of this evaluation (PMID: 34935411, 37652022, 39895654). ClinVar contains an entry for this variant (Variation ID: 42562). Based on the evidence outlined above, the variant was classified as uncertain significance.

Labcorp Genetics (formerly Invitae), Labcorp
Classification: Likely benign for Hypertrophic cardiomyopathy. Last evaluated: 2025-12-15. Review status: criteria provided, single submitter. Criteria: Invitae Variant Classification Sherloc (09022015). Collection method: clinical testing. Allele origin: germline.

GeneDx
Classification: Uncertain significance. Last evaluated: 2025-10-27. Review status: criteria provided, single submitter. Criteria: GeneDx Variant Classification Process June 2021. Collection method: clinical testing. Allele origin: germline. Affected: yes.
Comment: Reported as a variant of uncertain significance in individuals with cardiac phenotypes, including cardiomyopathy and Brugada syndrome; however, detailed clinical information and segregation information was not provided (PMID: 34935411, 32009526, 37652022, 39895654); In silico analysis suggests that this missense variant does not alter protein structure/function; Functional studies have demonstrated that p.(R574Q) does not result in a significant splicing defect (PMID: 28679633); This variant is associated with the following publications: (PMID: 33782553, 34935411, 37652022, 39895654, 32009526, 28679633)

Mayo Clinic Laboratories, Mayo Clinic
Classification: Likely benign. Last evaluated: 2025-10-03. Review status: criteria provided, single submitter. Criteria: ACMG Guidelines, 2015. Collection method: clinical testing. Allele origin: germline. Observed: 1 variant allele.
Comment: BS1, BP4_moderate

Blueprint Genetics
Classification: Likely benign. Last evaluated: 2024-11-26. Review status: criteria provided, single submitter. Criteria: ACMG Guidelines, 2015. Collection method: clinical testing. Allele origin: germline.

All of Us Research Program, National Institutes of Health
Classification: Likely benign for Hypertrophic cardiomyopathy. Last evaluated: 2024-09-23. Review status: criteria provided, single submitter. Criteria: ACMG Guidelines, 2015. Collection method: clinical testing. Allele origin: germline. Inheritance: Autosomal dominant inheritance. Observed: 64 variant alleles, 64 heterozygotes.
Comment: This study involves interpretation of variants in research participants for the purpose of population health screening. Participant phenotype was not available at the time of variant classification. Additional details can be found in publication PMID: 35346344, PMCID: PMC8962531

Ambry Genetics
Classification: Likely benign for Cardiovascular phenotype. Last evaluated: 2023-06-07. Review status: criteria provided, single submitter. Criteria: Ambry Variant Classification Scheme 2023. Collection method: clinical testing. Allele origin: germline.

CHEO Genetics Diagnostic Laboratory, Children's Hospital of Eastern Ontario
Classification: Uncertain significance for Cardiomyopathy. Last evaluated: 2021-03-05. Review status: criteria provided, single submitter. Criteria: ACMG Guidelines, 2015. Collection method: clinical testing. Allele origin: germline.

Color Diagnostics, LLC DBA Color Health
Classification: Likely benign for Cardiomyopathy. Last evaluated: 2020-02-13. Review status: criteria provided, single submitter. Criteria: ACMG Guidelines, 2015. Collection method: clinical testing. Allele origin: germline.

Illumina Laboratory Services, Illumina
Classification: Benign for Left ventricular noncompaction 10. Last evaluated: 2018-01-13. Review status: criteria provided, single submitter. Criteria: ICSL Variant Classification Criteria 13 December 2019. Collection method: clinical testing. Allele origin: germline.
Comment: This variant was observed in the ICSL laboratory as part of a predisposition screen in an ostensibly healthy population. It had not been previously curated by ICSL or reported in the Human Gene Mutation Database (HGMD: prior to June 1st, 2018), and was therefore a candidate for classification through an automated scoring system. Utilizing variant allele frequency, disease prevalence and penetrance estimates, and inheritance mode, an automated score was calculated to assess if this variant is too frequent to cause the disease. Based on the score and internal cut-off values, a variant classified as benign is not then subjected to further curation. The score for this variant resulted in a classification of benign for this disease.

Illumina Laboratory Services, Illumina
Classification: Uncertain significance for Hypertrophic cardiomyopathy 4. Last evaluated: 2018-01-13. Review status: criteria provided, single submitter. Criteria: ICSL Variant Classification Criteria 13 December 2019. Collection method: clinical testing. Allele origin: germline.

Molecular Diagnostic Laboratory for Inherited Cardiovascular Disease, Montreal Heart Institute
Classification: Uncertain significance for Primary familial hypertrophic cardiomyopathy. Last evaluated: 2016-05-18. Review status: criteria provided, single submitter. Criteria: ACMG Guidelines, 2015. Collection method: clinical testing. Allele origin: germline. Affected: yes.

Eurofins Ntd Llc (ga)
Classification: Uncertain significance. Last evaluated: 2014-05-26. Review status: criteria provided, single submitter. Criteria: EGL Classification Definitions 2015. Collection method: clinical testing. Allele origin: germline. Observed: 1 variant allele, 1 heterozygote.

Laboratory for Molecular Medicine, Mass General Brigham Personalized Medicine
Classification: Uncertain significance. Last evaluated: 2009-02-26. Review status: no assertion criteria provided. Collection method: clinical testing. Allele origin: germline. Observed: 1 variant allele. Not counted in ClinVar's aggregate classification.

Literature cited by the submitters: PubMed 34935411 (cited by 3 submitters); PubMed 37652022 (cited by Women's Health and Genetics/Laboratory Corporation of America, LabCorp and Mayo Clinic Laboratories, Mayo Clinic); PubMed 39895654 (cited by Women's Health and Genetics/Laboratory Corporation of America, LabCorp); PubMed 28679633 (cited by Mayo Clinic Laboratories, Mayo Clinic and Ambry Genetics); PubMed 32009526 (cited by Mayo Clinic Laboratories, Mayo Clinic and Ambry Genetics); PubMed 33782553 (cited by Mayo Clinic Laboratories, Mayo Clinic); PubMed 32841044 (cited by Ambry Genetics); PubMed 33495597 (cited by Ambry Genetics).